The following is an entry in ClinVar:

ClinVar aggregate classification (germline): Uncertain significance. Review status: criteria provided, single submitter (1 of 4 stars). 2 submissions from 2 submitters: Uncertain significance (1). 1 of the submissions does not count toward it. Last evaluated 2022-09-13.

Conditions:
Spongy degeneration of central nervous system. Also called: Canavan disease; Von Bogaert-Bertrand disease; ACY2 DEFICIENCY; AMINOACYLASE 2 DEFICIENCY; ASP DEFICIENCY; ASPA DEFICIENCY. Identifiers: Orphanet 141, MedGen C0206307, MONDO:0010079, OMIM 271900.

Allele frequency attached by ClinVar (database versions not stated): gnomAD exomes below 0.00001.
gnomAD v4.1: 1 of 1,613,852 alleles (0.000062%); highest among the groups gnomAD compares: Non-Finnish European, 0.000085%; no homozygotes.

Submissions (2):

Labcorp Genetics (formerly Invitae), Labcorp
Classification: Uncertain significance for Spongy degeneration of central nervous system. Last evaluated: 2022-09-13. Review status: criteria provided, single submitter. Criteria: Invitae Variant Classification Sherloc (09022015). Collection method: clinical testing. Allele origin: germline.
Comment: This sequence change creates a premature translational stop signal (p.Leu312*) in the ASPA gene. While this is not anticipated to result in nonsense mediated decay, it is expected to disrupt the last 2 amino acid(s) of the ASPA protein. This variant is not present in population databases (gnomAD no frequency). This variant has not been reported in the literature in individuals affected with ASPA-related conditions. ClinVar contains an entry for this variant (Variation ID: 553902). Experimental studies and prediction algorithms are not available or were not evaluated, and the functional significance of this variant is currently unknown. In summary, the available evidence is currently insufficient to determine the role of this variant in disease. Therefore, it has been classified as a Variant of Uncertain Significance.

Counsyl
Classification: Uncertain significance for Spongy degeneration of central nervous system. Last evaluated: 2017-09-19. Review status: no assertion criteria provided. Collection method: clinical testing. Allele origin: unknown. Not counted in ClinVar's aggregate classification.

NM_000049.4(ASPA):c.935T>G (p.Leu312Ter)

Genes: ASPA (aspartoacylase; plus strand), SPATA22 (spermatogenesis associated 22; minus strand). Cytogenetic location: 17p13.2.
Variant type: single nucleotide variant.
Coding change: c.935T>G on transcript NM_000049.4 (MANE Select); coding-DNA position 935, T replaced by G.
Protein change: p.Leu312Ter; replaces leucine 312 with a stop codon.
Molecular consequence: nonsense. On other transcripts: intron variant (2).
Genome position (GRCh38, 1-based): chr17:3,499,081, T>G. VCF-style: chr17-3499081-T-G. GRCh37 (hg19) VCF-style: chr17-3402375-T-G.
Other names: c.935T>G, p.Leu312Ter (NM_001128085.1); c.-74+14331A>C (NM_001321336.2, NM_001321337.2); short protein forms L312*.
Identifiers: ClinVar variation 553902 (VCV000553902.6), dbSNP rs1555541343, ClinGen allele CA397688416.